The following is an entry in ClinVar:

ClinVar aggregate classification (germline): Uncertain significance (1 of 4 stars; one submission).

Allele frequency attached by ClinVar (database versions not stated): TOPMed 0.00001; gnomAD exomes below 0.00001; ExAC 0.00001.

Submission:

Labcorp Genetics (formerly Invitae), Labcorp
Classification: Uncertain significance. Last evaluated: 2022-07-19. Review status: criteria provided, single submitter. Criteria: Invitae Variant Classification Sherloc (09022015). Collection method: clinical testing. Allele origin: germline.
Comment: This sequence change replaces methionine, which is neutral and non-polar, with isoleucine, which is neutral and non-polar, at codon 1067 of the CDH23 protein (p.Met1067Ile). This variant is present in population databases (rs760423021, gnomAD 0.003%). This variant has not been reported in the literature in individuals affected with CDH23-related conditions. ClinVar contains an entry for this variant (Variation ID: 1424061). Algorithms developed to predict the effect of missense changes on protein structure and function are either unavailable or do not agree on the potential impact of this missense change (SIFT: "Tolerated"; PolyPhen-2: "Not Available"; Align-GVGD: "Class C0"). In summary, the available evidence is currently insufficient to determine the role of this variant in disease. Therefore, it has been classified as a Variant of Uncertain Significance.

NM_022124.6(CDH23):c.3201G>A (p.Met1067Ile)

Gene: CDH23 (cadherin related 23; plus strand). Cytogenetic location: 10q22.1.
Variant type: single nucleotide variant.
Coding change: c.3201G>A on transcript NM_022124.6 (MANE Select); coding-DNA position 3201, G replaced by A.
Protein change: p.Met1067Ile; replaces methionine 1067 with isoleucine.
Molecular consequence: missense variant.
Genome position (GRCh38, 1-based): chr10:71,709,192, G>A. VCF-style: chr10-71709192-G-A. GRCh37 (hg19) VCF-style: chr10-73468949-G-A.
Other names: c.3201G>A, p.Met1067Ile (NM_001171930.2); short protein forms M1067I.
Identifiers: ClinVar variation 1424061 (VCV001424061.5), dbSNP rs760423021, ClinGen allele CA5544510.